The following is an entry in ClinVar:

ClinVar aggregate classification (germline): Uncertain significance (1 of 4 stars; one submission).

Conditions:
Immunodeficiency 51 (IMD51). Also called: CANDIDIASIS, FAMILIAL, 5. Identifiers: Orphanet 1334, MedGen C4310803, MONDO:0013500, OMIM 613953.

Allele frequency attached by ClinVar (database versions not stated): gnomAD exomes below 0.00001.

Submission:

Labcorp Genetics (formerly Invitae), Labcorp
Classification: Uncertain significance for Immunodeficiency 51. Last evaluated: 2022-09-19. Review status: criteria provided, single submitter. Criteria: Invitae Variant Classification Sherloc (09022015). Collection method: clinical testing. Allele origin: germline.
Comment: This sequence change creates a premature translational stop signal (p.Thr732Profs*13) in the IL17RA gene. While this is not anticipated to result in nonsense mediated decay, it is expected to disrupt the last 135 amino acid(s) of the IL17RA protein. In summary, the available evidence is currently insufficient to determine the role of this variant in disease. Therefore, it has been classified as a Variant of Uncertain Significance. Experimental studies and prediction algorithms are not available or were not evaluated, and the functional significance of this variant is currently unknown. ClinVar contains an entry for this variant (Variation ID: 939623). This variant has not been reported in the literature in individuals affected with IL17RA-related conditions. This variant is not present in population databases (gnomAD no frequency).

NM_014339.7(IL17RA):c.2194del (p.Thr732fs)

Gene: IL17RA (interleukin 17 receptor A; plus strand). Cytogenetic location: 22q11.1.
Variant type: Deletion.
Coding change: c.2194del on transcript NM_014339.7 (MANE Select); coding-DNA position 2194, one base deleted (A; older notation c.2194delA).
Protein change: p.Thr732fs; shifts the reading frame from threonine 732.
Molecular consequence: frameshift variant.
Genome position (GRCh38, 1-based): chr22:17,109,413, A deleted. VCF-style (leftmost placement, unchanged base first): chr22-17109412-CA-C. GRCh37 (hg19) VCF-style: chr22-17590302-CA-C.
Other names: c.2092del, p.Thr698fs (NM_001289905.2); short protein forms T698fs, T732fs.
Identifiers: ClinVar variation 939623 (VCV000939623.7), dbSNP rs2061430300, ClinGen allele CA1139666933.